The following is an entry in ClinVar:

NM_000478.6(ALPL):c.885G>A (p.Met295Ile)

Gene: ALPL (alkaline phosphatase, biomineralization associated; plus strand). Cytogenetic location: 1p36.12.
Variant type: single nucleotide variant.
Coding change: c.885G>A on transcript NM_000478.6 (MANE Select); coding-DNA position 885, G replaced by A.
Protein change: p.Met295Ile; replaces methionine 295 with isoleucine.
Molecular consequence: missense variant.
Genome position (GRCh38, 1-based): chr1:21,573,687, G>A. VCF-style: chr1-21573687-G-A. GRCh37 (hg19) VCF-style: chr1-21900180-G-A.
Other names: c.720G>A, p.Met240Ile (NM_001127501.4); c.654G>A, p.Met218Ile (NM_001177520.3); c.885G>A, p.Met295Ile (NM_001369803.2, NM_001369804.2, NM_001369805.2); short protein forms M218I, M240I, M295I.
Identifiers: ClinVar variation 4086844 (VCV004086844.1).

ClinVar aggregate classification (germline): Likely pathogenic (1 of 4 stars; one submission).

Conditions:
Hypophosphatasia. Also called: Phosphoethanol-aminuria. Identifiers: Orphanet 436, MedGen C0020630, MeSH D007014, MONDO:0018570.

Submission:

Genomenon, Inc
Classification: Likely pathogenic for Hypophosphatasia. Last evaluated: 2025-08-29. Review status: criteria provided, single submitter. Criteria: Genomenon Sequence Variant Interpretation Standards. Collection method: curation. Allele origin: germline. Affected: yes.
Comment: ALPL c.885G>A is a missense variant that changes the amino acid at residue 295 from Methionine to Isoleucine. This variant has been observed in at least one proband affected with hypophosphatasia (PMID:15660230;28374482). This variant has been described as Met278Ile in the literature. It is absent or not present at a significant frequency in gnomAD. In silico models agree that this variant is possibly or probably damaging. In conclusion, we classify ALPL p.Met295Ile (c.885G>A) as a likely pathogenic variant.

Literature cited by the submitters: PubMed 15660230; PubMed 28374482.